The following is an entry in ClinVar:

ClinVar aggregate classification (germline): Uncertain significance (1 of 4 stars; one submission).

Submission:

Labcorp Genetics (formerly Invitae), Labcorp
Classification: Uncertain significance. Last evaluated: 2022-11-22. Review status: criteria provided, single submitter. Criteria: Invitae Variant Classification Sherloc (09022015). Collection method: clinical testing. Allele origin: germline.
Comment: In summary, the available evidence is currently insufficient to determine the role of this variant in disease. Therefore, it has been classified as a Variant of Uncertain Significance. Advanced modeling of protein sequence and biophysical properties (such as structural, functional, and spatial information, amino acid conservation, physicochemical variation, residue mobility, and thermodynamic stability) performed at Invitae indicates that this missense variant is not expected to disrupt DTNBP1 protein function. This variant has not been reported in the literature in individuals affected with DTNBP1-related conditions. This variant is not present in population databases (gnomAD no frequency). This sequence change replaces alanine, which is neutral and non-polar, with threonine, which is neutral and polar, at codon 72 of the DTNBP1 protein (p.Ala72Thr).

NM_032122.5(DTNBP1):c.214G>A (p.Ala72Thr)

Gene: DTNBP1 (dystrobrevin binding protein 1; minus strand). Cytogenetic location: 6p22.3.
Variant type: single nucleotide variant.
Coding change: c.214G>A on transcript NM_032122.5 (MANE Select); coding-DNA position 214, G replaced by A.
Protein change: p.Ala72Thr; replaces alanine 72 with threonine.
Molecular consequence: missense variant. On other transcripts: 5 prime UTR variant (1), non-coding transcript variant (1).
Genome position (GRCh38, 1-based): chr6:15,637,752, C>T on the plus strand (G>A on the coding strand, the complement: DTNBP1 is on the minus strand). VCF-style: chr6-15637752-C-T. GRCh37 (hg19) VCF-style: chr6-15637983-C-T.
Other names: c.-30G>A (NM_001271667.2, NM_183041.1); c.163G>A, p.Ala55Thr (NM_001271668.2); c.109G>A, p.Ala37Thr (NM_001271669.2); c.214G>A, p.Ala72Thr (NM_183040.2); short protein forms A37T, A55T, A72T.
Identifiers: ClinVar variation 1713734 (VCV001713734.5), dbSNP rs2533722070, ClinGen allele CA362869527.